The following is an entry in ClinVar:

ClinVar aggregate classification (germline): Conflicting classifications of pathogenicity. Review status: criteria provided, conflicting classifications (1 of 4 stars). 4 submissions from 4 submitters: Uncertain significance (2); Likely benign (2). Last evaluated 2026-05-01.

Conditions:
OTOG-related disorder. Also called: OTOG-related condition.

Allele frequency attached by ClinVar (database versions not stated): gnomAD exomes 0.00010; 1000 Genomes Project 0.00040; ExAC 0.00048; 1000 Genomes Project 30x 0.00062.
gnomAD v4.1: 163 of 1,548,892 alleles (0.011%); highest among the groups gnomAD compares: South Asian, 0.17%; 2 homozygotes.

Submissions (4):

CeGaT Center for Human Genetics Tuebingen
Classification: Likely benign. Last evaluated: 2026-05-01. Review status: criteria provided, single submitter. Criteria: CeGaT Center For Human Genetics Tuebingen Variant Classification Criteria Version 2. Collection method: clinical testing. Allele origin: germline. Affected: yes. Observed: 1 variant allele.
Comment: OTOG: BP4

PreventionGenetics, part of Exact Sciences
Classification: Likely benign for OTOG-related condition. Last evaluated: 2025-02-18. Review status: criteria provided, single submitter. Criteria: ACMG Guidelines, 2015. Collection method: clinical testing. Allele origin: germline.
Comment: This variant is classified as likely benign based on ACMG/AMP sequence variant interpretation guidelines (Richards et al. 2015 PMID: 25741868, with internal and published modifications).

Blueprint Genetics
Classification: Uncertain significance. Last evaluated: 2024-07-31. Review status: criteria provided, single submitter. Criteria: ACMG Guidelines, 2015. Collection method: clinical testing. Allele origin: germline.

Labcorp Genetics (formerly Invitae), Labcorp
Classification: Uncertain significance. Last evaluated: 2023-11-02. Review status: criteria provided, single submitter. Criteria: Invitae Variant Classification Sherloc (09022015). Collection method: clinical testing. Allele origin: germline.
Comment: This sequence change replaces serine, which is neutral and polar, with asparagine, which is neutral and polar, at codon 1060 of the OTOG protein (p.Ser1060Asn). This variant is present in population databases (rs561196208, gnomAD 0.2%). This variant has not been reported in the literature in individuals affected with OTOG-related conditions. An algorithm developed to predict the effect of missense changes on protein structure and function (PolyPhen-2) suggests that this variant¬†is likely to be tolerated. In summary, the available evidence is currently insufficient to determine the role of this variant in disease. Therefore, it has been classified as a Variant of Uncertain Significance.

NM_001292063.2(OTOG):c.3143G>A (p.Ser1048Asn)

Gene: OTOG (otogelin; plus strand). Cytogenetic location: 11p15.1.
Variant type: single nucleotide variant.
Coding change: c.3143G>A on transcript NM_001292063.2 (MANE Select); coding-DNA position 3143, G replaced by A.
Protein change: p.Ser1048Asn; replaces serine 1048 with asparagine.
Molecular consequence: missense variant.
Genome position (GRCh38, 1-based): chr11:17,593,611, G>A. VCF-style: chr11-17593611-G-A. GRCh37 (hg19) VCF-style: chr11-17615158-G-A.
Other names: c.3179G>A (NM_001277269.1); c.3179G>A, p.Ser1060Asn (NM_001277269.2); short protein forms S1048N, S1060N.
Identifiers: ClinVar variation 2899183 (VCV002899183.5), dbSNP rs561196208, ClinGen allele CA5905706.